The following is an entry in ClinVar:

ClinVar aggregate classification (germline): Uncertain significance (1 of 4 stars; one submission).

Conditions:
Dyskeratosis congenita. Identifiers: Orphanet 1775, MedGen C0265965, MONDO:0015780.

Submission:

Labcorp Genetics (formerly Invitae), Labcorp
Classification: Uncertain significance for Dyskeratosis congenita. Last evaluated: 2023-11-25. Review status: criteria provided, single submitter. Criteria: Invitae Variant Classification Sherloc (09022015). Collection method: clinical testing. Allele origin: germline.
Comment: This sequence change replaces tyrosine, which is neutral and polar, with histidine, which is basic and polar, at codon 134 of the CTC1 protein (p.Tyr134His). This variant is not present in population databases (gnomAD no frequency). This variant has not been reported in the literature in individuals affected with CTC1-related conditions. Advanced modeling of protein sequence and biophysical properties (such as structural, functional, and spatial information, amino acid conservation, physicochemical variation, residue mobility, and thermodynamic stability) performed at Invitae indicates that this missense variant is expected to disrupt CTC1 protein function with a positive predictive value of 80%. In summary, the available evidence is currently insufficient to determine the role of this variant in disease. Therefore, it has been classified as a Variant of Uncertain Significance.

NM_025099.6(CTC1):c.400T>C (p.Tyr134His)

Gene: CTC1 (CST telomere replication complex component 1; minus strand). Cytogenetic location: 17p13.1.
Variant type: single nucleotide variant.
Coding change: c.400T>C on transcript NM_025099.6 (MANE Select); coding-DNA position 400, T replaced by C.
Protein change: p.Tyr134His; replaces tyrosine 134 with histidine.
Molecular consequence: missense variant. On other transcripts: non-coding transcript variant (1).
Genome position (GRCh38, 1-based): chr17:8,238,427, A>G on the plus strand (T>C on the coding strand, the complement: CTC1 is on the minus strand). VCF-style: chr17-8238427-A-G. GRCh37 (hg19) VCF-style: chr17-8141745-A-G.
Other names: c.400T>C, p.Tyr134His (NM_001411067.1); short protein forms Y134H.
Identifiers: ClinVar variation 2699101 (VCV002699101.3), dbSNP rs2507950022, ClinGen allele CA397993139.
Genomic context (GRCh38, chr17:8,238,427, plus strand): 5'-CATCTGATCTCCACCTTCCACTCACCTCACAGCTCAGGACGCCAGTGTTATCTCTCACAT[A>G]GAGGCTTCCGTTCCTGCACTCTTGTTCCAAGTCTGCCGATAGGTCTGTTAGTGTCCCTAA-3'
Protein context (NP_079375.3, residues 124-144): LEQECRNGSL[Tyr134His]VRDNTGVLSC